The following is an entry in ClinVar:

ClinVar aggregate classification (germline): Uncertain significance (1 of 4 stars; one submission).

Conditions:
Fanconi anemia complementation group J. Also called: BRIP1-Related Fanconi Anemia. Identifiers: Orphanet 84, MedGen C1836860, MONDO:0012187, OMIM 609054.
Familial cancer of breast. Also called: BREAST CANCER, FAMILIAL; Hereditary breast cancer; hereditary breast carcinoma. Identifiers: Orphanet 227535, MedGen C0346153, MONDO:0016419, OMIM 114480. Disease mechanism: loss of function.

Submission:

Labcorp Genetics (formerly Invitae), Labcorp
Classification: Uncertain significance for Familial cancer of breast; Fanconi anemia complementation group J. Last evaluated: 2024-08-19. Review status: criteria provided, single submitter. Criteria: Invitae Variant Classification Sherloc (09022015). Collection method: clinical testing. Allele origin: germline.
Comment: This sequence change replaces serine, which is neutral and polar, with tyrosine, which is neutral and polar, at codon 913 of the BRIP1 protein (p.Ser913Tyr). This variant is not present in population databases (gnomAD no frequency). This variant has not been reported in the literature in individuals affected with BRIP1-related conditions. Invitae Evidence Modeling of protein sequence and biophysical properties (such as structural, functional, and spatial information, amino acid conservation, physicochemical variation, residue mobility, and thermodynamic stability) indicates that this missense variant is not expected to disrupt BRIP1 protein function with a negative predictive value of 80%. In summary, the available evidence is currently insufficient to determine the role of this variant in disease. Therefore, it has been classified as a Variant of Uncertain Significance.

NM_032043.3(BRIP1):c.2738C>A (p.Ser913Tyr)

Gene: BRIP1 (BRCA1 interacting DNA helicase 1; minus strand). Cytogenetic location: 17q23.2.
Variant type: single nucleotide variant.
Coding change: c.2738C>A on transcript NM_032043.3 (MANE Select); coding-DNA position 2738, C replaced by A.
Protein change: p.Ser913Tyr; replaces serine 913 with tyrosine.
Molecular consequence: missense variant.
Genome position (GRCh38, 1-based): chr17:61,686,003, G>T on the plus strand (C>A on the coding strand, the complement: BRIP1 is on the minus strand). VCF-style: chr17-61686003-G-T. GRCh37 (hg19) VCF-style: chr17-59763364-G-T.
Other names: short protein forms S913Y.
Identifiers: ClinVar variation 3757735 (VCV003757735.2).